The following is an entry in ClinVar:

NM_000143.4(FH):c.267A>C (p.Pro89=)

Gene: FH (fumarate hydratase; minus strand). Cytogenetic location: 1q43.
Variant type: single nucleotide variant.
Coding change: c.267A>C on transcript NM_000143.4 (MANE Select); coding-DNA position 267, A replaced by C.
Protein change: p.Pro89=; no amino-acid change (proline 89 retained).
Molecular consequence: synonymous variant.
Genome position (GRCh38, 1-based): chr1:241,517,182, T>G on the plus strand (A>C on the coding strand, the complement: FH is on the minus strand). VCF-style: chr1-241517182-T-G. GRCh37 (hg19) VCF-style: chr1-241680482-T-G.
Identifiers: ClinVar variation 405914 (VCV000405914.13), dbSNP rs1060500897, ClinGen allele CA16610087.

ClinVar aggregate classification (germline): Conflicting classifications of pathogenicity. Review status: criteria provided, conflicting classifications (1 of 4 stars). 3 submissions from 3 submitters: Uncertain significance (1); Likely benign (2). Last evaluated 2025-11-10.

Conditions:
Hereditary cancer-predisposing syndrome. Also called: Hereditary Cancer Syndrome; Hereditary neoplastic syndrome; Neoplastic Syndromes, Hereditary; Tumor predisposition. Identifiers: Orphanet 140162, MedGen C0027672, MeSH D009386, MONDO:0015356.

Allele frequency attached by ClinVar (database versions not stated): TOPMed 0.00001.

Submissions (3):

Labcorp Genetics (formerly Invitae), Labcorp
Classification: Uncertain significance. Last evaluated: 2025-11-10. Review status: criteria provided, single submitter. Criteria: Invitae Variant Classification Sherloc (09022015). Collection method: clinical testing. Allele origin: germline.
Comment: This sequence change affects codon 89 of the FH mRNA. It is a 'silent' change, meaning that it does not change the encoded amino acid sequence of the FH protein. It affects a nucleotide within the consensus splice site. This variant is not present in population databases (gnomAD no frequency). This variant has not been reported in the literature in individuals affected with FH-related conditions. ClinVar contains an entry for this variant (Variation ID: 405914). Algorithms developed to predict the effect of sequence changes on RNA splicing suggest that this variant is not likely to affect RNA splicing. In summary, the available evidence is currently insufficient to determine the role of this variant in disease. Therefore, it has been classified as a Variant of Uncertain Significance.

Ambry Genetics
Classification: Likely benign for Hereditary cancer-predisposing syndrome. Last evaluated: 2018-06-19. Review status: criteria provided, single submitter. Criteria: Ambry Variant Classification Scheme 2023. Collection method: clinical testing. Allele origin: germline.

GeneDx
Classification: Likely benign. Last evaluated: 2017-02-02. Review status: criteria provided, single submitter. Criteria: GeneDx Variant Classification (06012015). Collection method: clinical testing. Allele origin: germline. Affected: yes.
Comment: This variant is considered likely benign or benign based on one or more of the following criteria: it is a conservative change, it occurs at a poorly conserved position in the protein, it is predicted to be benign by multiple in silico algorithms, and/or has population frequency not consistent with disease.